The following is an entry in ClinVar:

NM_005529.7(HSPG2):c.3806T>C (p.Val1269Ala)

Gene: HSPG2 (heparan sulfate proteoglycan 2; minus strand). Cytogenetic location: 1p36.12.
Variant type: single nucleotide variant.
Coding change: c.3806T>C on transcript NM_005529.7 (MANE Select); coding-DNA position 3806, T replaced by C.
Protein change: p.Val1269Ala; replaces valine 1269 with alanine.
Molecular consequence: missense variant.
Genome position (GRCh38, 1-based): chr1:21,873,079, A>G on the plus strand (T>C on the coding strand, the complement: HSPG2 is on the minus strand). VCF-style: chr1-21873079-A-G. GRCh37 (hg19) VCF-style: chr1-22199572-A-G.
Other names: c.3809T>C, p.Val1270Ala (NM_001291860.2); c.3806T>C (NM_005529.5); short protein forms V1269A, V1270A.
Identifiers: ClinVar variation 2180939 (VCV002180939.5), dbSNP rs1389876160, ClinGen allele CA338959902.

ClinVar aggregate classification (germline): Uncertain significance. Review status: criteria provided, multiple submitters, no conflicts (2 of 4 stars). 2 submissions from 2 submitters: Uncertain significance (2). Last evaluated 2025-04-13.

Conditions:
Inborn genetic diseases. Identifiers: MedGen C0950123, MeSH D030342.

Allele frequency attached by ClinVar (database versions not stated): TOPMed 0.00001; gnomAD 0.00002.
gnomAD v4.1: 8 of 1,600,864 alleles (0.0005%); highest among the groups gnomAD compares: Admixed American, 0.0017%; no homozygotes.

Submissions (2):

Ambry Genetics
Classification: Uncertain significance for Inborn genetic diseases. Last evaluated: 2025-04-13. Review status: criteria provided, single submitter. Criteria: Ambry Variant Classification Scheme 2023. Collection method: clinical testing. Allele origin: germline.

Labcorp Genetics (formerly Invitae), Labcorp
Classification: Uncertain significance. Last evaluated: 2022-01-12. Review status: criteria provided, single submitter. Criteria: Invitae Variant Classification Sherloc (09022015). Collection method: clinical testing. Allele origin: germline.
Comment: This sequence change replaces valine, which is neutral and non-polar, with alanine, which is neutral and non-polar, at codon 1269 of the HSPG2 protein (p.Val1269Ala). In summary, the available evidence is currently insufficient to determine the role of this variant in disease. Therefore, it has been classified as a Variant of Uncertain Significance. Algorithms developed to predict the effect of missense changes on protein structure and function (SIFT, PolyPhen-2, Align-GVGD) all suggest that this variant is likely to be tolerated. This variant has not been reported in the literature in individuals affected with HSPG2-related conditions. This variant is present in population databases (no rsID available, gnomAD 0.007%).